The following is an entry in ClinVar:

NM_000642.3(AGL):c.2001+8_2001+9delinsCT

Gene: AGL (amylo-alpha-1,6-glucosidase and 4-alpha-glucanotransferase; plus strand). Cytogenetic location: 1p21.2.
Variant type: Indel.
Coding change: c.2001+8_2001+9delinsCT on transcript NM_000642.3 (MANE Select); bases 8 to 9 of the intron after coding-DNA position 2001, TA replaced by CT.
Molecular consequence: intron variant.
Genome position (GRCh38, 1-based): chr1:99,881,185-99,881,186, TA replaced by CT. VCF-style: chr1-99881185-TA-CT. GRCh37 (hg19) VCF-style: chr1-100346741-TA-CT.
Other names: c.2001+8_2001+9delinsCT (NM_000643.3, NM_000644.3, NM_001425326.1 and 2 more transcripts); c.1953+8_1953+9delinsCT (NM_000646.3); c.1800+8_1800+9delinsCT (NM_001425327.1); c.1797+8_1797+9delinsCT (NM_001425328.1, NM_001425329.1); c.1623+8_1623+9delinsCT (NM_001425332.1).
Identifiers: ClinVar variation 420490 (VCV000420490.9), dbSNP rs1064794512, ClinGen allele CA16617219.

ClinVar aggregate classification (germline): Likely benign. Review status: criteria provided, multiple submitters, no conflicts (2 of 4 stars). 3 submissions from 3 submitters: Likely benign (3). Last evaluated 2023-10-17.

Conditions:
Glycogen storage disease type III (GSD3). Also called: Cori disease; FORBES DISEASE. Identifiers: Orphanet 366, MedGen C0017922, MONDO:0009291, OMIM 232400.

Submissions (3):

Labcorp Genetics (formerly Invitae), Labcorp
Classification: Likely benign for Glycogen storage disease type III. Last evaluated: 2023-10-17. Review status: criteria provided, single submitter. Criteria: Invitae Variant Classification Sherloc (09022015). Collection method: clinical testing. Allele origin: germline.

Genome-Nilou Lab
Classification: Likely benign for Glycogen storage disease type III. Last evaluated: 2023-04-11. Review status: criteria provided, single submitter. Criteria: ACMG Guidelines, 2015. Collection method: clinical testing. Allele origin: germline. Affected: no.

GeneDx
Classification: Likely benign. Last evaluated: 2016-02-11. Review status: criteria provided, single submitter. Criteria: GeneDx Variant Classification (06012015). Collection method: clinical testing. Allele origin: germline. Affected: yes.
Comment: This variant is considered likely benign or benign based on one or more of the following criteria: it is a conservative change, it occurs at a poorly conserved position in the protein, it is predicted to be benign by multiple in silico algorithms, and/or has population frequency not consistent with disease.